The following is an entry in ClinVar:

ClinVar aggregate classification (germline): Uncertain significance (1 of 4 stars; one submission).

Submission:

Labcorp Genetics (formerly Invitae), Labcorp
Classification: Uncertain significance. Last evaluated: 2023-08-09. Review status: criteria provided, single submitter. Criteria: Invitae Variant Classification Sherloc (09022015). Collection method: clinical testing. Allele origin: germline.
Comment: This variant has not been reported in the literature in individuals affected with PROSC-related conditions. Experimental studies and prediction algorithms are not available or were not evaluated, and the functional significance of this variant is currently unknown. In summary, the available evidence is currently insufficient to determine the role of this variant in disease. Therefore, it has been classified as a Variant of Uncertain Significance. This variant is present in population databases (rs780668614, gnomAD 0.006%). This variant, c.406_408del, results in the deletion of 1 amino acid(s) of the PROSC protein (p.Pro136del), but otherwise preserves the integrity of the reading frame.

NM_007198.4(PLPBP):c.406_408del (p.Pro136del)

Gene: PLPBP (pyridoxal phosphate binding protein; plus strand). Cytogenetic location: 8p11.23.
Variant type: Deletion.
Coding change: c.406_408del on transcript NM_007198.4 (MANE Select); coding-DNA positions 406 to 408, 3 bases deleted (CCT; older notation c.406_408delCCT).
Protein change: p.Pro136del; deletes proline 136.
Molecular consequence: inframe deletion.
Genome position (GRCh38, 1-based): chr8:37,772,841-37,772,843, CCT deleted; deleting any 3 consecutive bases within chr8:37,772,839-37,772,843 gives the same sequence; the c. name uses the placement nearest the transcript's 3' end. VCF-style (leftmost placement, unchanged base first): chr8-37772838-TCTC-T. GRCh37 (hg19) VCF-style: chr8-37630356-TCTC-T.
Other names: c.406_408del, p.Pro136del (NM_001349346.2); c.400_402del, p.Pro134del (NM_001349347.2); c.250_252del, p.Pro84del (NM_001349348.2); short protein forms P136del, P84del, P134del.
Identifiers: ClinVar variation 2805860 (VCV002805860.3), dbSNP rs780668614, ClinGen allele CA4711226.
Genomic context (GRCh38, chr8:37,772,838, plus strand): 5'-GAAACAGTGGATTCTGTGAAGTTGGCAGACAAAGTGAACAGTTCCTGGCAGAGAAAAGGT[TCTC>T]CTGAAAGGTTAAAGGTTATGGTCCAGATTAACACCAGCGGAGAAGAGAGTAAGTAACCAG-3'